The following is an entry in ClinVar:

NM_006343.3(MERTK):c.2530C>T (p.Arg844Cys)

Gene: MERTK (MER proto-oncogene, tyrosine kinase; plus strand). Cytogenetic location: 2q13.
Variant type: single nucleotide variant.
Coding change: c.2530C>T on transcript NM_006343.3 (MANE Select); coding-DNA position 2530, C replaced by T.
Protein change: p.Arg844Cys; replaces arginine 844 with cysteine.
Molecular consequence: missense variant.
Genome position (GRCh38, 1-based): chr2:112,028,394, C>T. VCF-style: chr2-112028394-C-T. GRCh37 (hg19) VCF-style: chr2-112785971-C-T.
Other names: c.2530C>T (NM_006343.2); short protein forms R844C.
Identifiers: ClinVar variation 801738 (VCV000801738.39), dbSNP rs746291728, ClinGen allele CA1831920.
Genomic context (GRCh38, chr2:112,028,394, plus strand): 5'-TTCTTTTTAACTTTCAGGTATGAAATAATGTACTCTTGCTGGAGAACCGATCCCTTAGAC[C>T]GCCCCACCTTTTCAGTATTGAGGCTGCAGCTAGAAAAACTCTTAGAAAGTTTGCCTGACG-3'
Protein context (NP_006334.2, residues 834-854): YSCWRTDPLD[Arg844Cys]PTFSVLRLQL

ClinVar aggregate classification (germline): Pathogenic. Review status: criteria provided, multiple submitters, no conflicts (2 of 4 stars). 7 submissions from 7 submitters: Pathogenic (7). Last evaluated 2026-08-17.

Conditions:
Retinal dystrophy. Also called: Inherited retinal dystrophy. Identifiers: Orphanet 71862, MedGen C0854723, MeSH D058499, MONDO:0019118, HP:0000556.
Retinitis pigmentosa 38 (RP38). Also called: ROD-CONE DYSTROPHY, CHILDHOOD-ONSET. Identifiers: Orphanet 791, MedGen C3151228, MONDO:0013469, OMIM 613862.
MERTK-related disorder. Also called: MERTK-related condition.

Allele frequency attached by ClinVar (database versions not stated): gnomAD 0.00001; ExAC 0.00002; TOPMed 0.00002.
gnomAD v4.1: 13 of 1,614,002 alleles (0.00081%); highest among the groups gnomAD compares: Middle Eastern, 0.016%; no homozygotes.

Submissions (7):

PreventionGenetics, part of Exact Sciences
Classification: Pathogenic for MERTK-related condition. Last evaluated: 2026-08-17. Review status: criteria provided, single submitter. Criteria: ACMG Guidelines, 2015. Collection method: clinical testing. Allele origin: germline.
Comment: The MERTK c.2530C>T variant is predicted to result in the amino acid substitution p.Arg844Cys. This variant has been reported in individuals with MERTK-related inherited retinal disease (see for example: McHenry et al. 2004. PubMed ID: 15111602; Al-Khersan et al. 2017. PubMed ID: 28462455; Supplemental material, Holtan et al. 2019. PubMed ID: 31429209). An alternate nucleotide change impacting the same amino acid position (p.Arg844Pro) has also been reported in individuals with MERTK-related inherited retinal disease (Collin et al. 2011. PubMed ID: 21217109). The p.Arg844Cys variant has been shown to reduce protein activity (McHenry et al. 2004. PubMed ID: 15111602). This variant is reported in 0.0018% of alleles in individuals of European (Non-Finnish) descent in gnomAD. This variant is interpreted as pathogenic.

Labcorp Genetics (formerly Invitae), Labcorp
Classification: Pathogenic. Last evaluated: 2025-07-31. Review status: criteria provided, single submitter. Criteria: Invitae Variant Classification Sherloc (09022015). Collection method: clinical testing. Allele origin: germline.
Comment: This sequence change replaces arginine, which is basic and polar, with cysteine, which is neutral and slightly polar, at codon 844 of the MERTK protein (p.Arg844Cys). This variant is present in population databases (rs746291728, gnomAD 0.002%). This missense change has been observed in individual(s) with autosomal recessive inherited retinal dystrophy (PMID: 15111602, 28462455). In at least one individual the data is consistent with being in trans (on the opposite chromosome) from a pathogenic variant. It has also been observed to segregate with disease in related individuals. ClinVar contains an entry for this variant (Variation ID: 801738). Invitae Evidence Modeling of protein sequence and biophysical properties (such as structural, functional, and spatial information, amino acid conservation, physicochemical variation, residue mobility, and thermodynamic stability) indicates that this missense variant is expected to disrupt MERTK protein function with a positive predictive value of 80%. Experimental studies have shown that this missense change affects MERTK function (PMID: 15111602). For these reasons, this variant has been classified as Pathogenic.

Institute of Human Genetics, Univ. Regensburg, Univ. Regensburg
Classification: Pathogenic for Retinal dystrophy. Last evaluated: 2023-01-01. Review status: criteria provided, single submitter. Criteria: ACMG Guidelines, 2015. Collection method: clinical testing. Allele origin: germline. Affected: yes.

CeGaT Center for Human Genetics Tuebingen
Classification: Pathogenic. Last evaluated: 2022-12-01. Review status: criteria provided, single submitter. Criteria: CeGaT Center For Human Genetics Tuebingen Variant Classification Criteria Version 2. Collection method: clinical testing. Allele origin: germline. Affected: yes. Observed: 1 variant allele.
Comment: MERTK: PM3:Strong, PM2, PM5, PP4, PS3:Supporting

Blueprint Genetics
Classification: Pathogenic for MERTK-related disorders. Last evaluated: 2022-11-09. Review status: criteria provided, single submitter. Criteria: ACMG Guidelines, 2015. Collection method: clinical testing. Allele origin: germline. Affected: yes. Observed: 5 variant alleles.

Baylor Genetics
Classification: Pathogenic for Retinitis pigmentosa 38. Last evaluated: 2022-10-27. Review status: criteria provided, single submitter. Criteria: ACMG Guidelines, 2015. Collection method: clinical testing. Allele origin: unknown.

Mendelics
Classification: Pathogenic for Retinitis pigmentosa 38. Last evaluated: 2019-05-28. Review status: criteria provided, single submitter. Criteria: Mendelics Assertion Criteria 2017. Collection method: clinical testing. Allele origin: unknown.

Literature cited by the submitters: PubMed 15111602 (cited by Labcorp Genetics (formerly Invitae), Labcorp and Institute of Human Genetics, Univ. Regensburg, Univ. Regensburg); PubMed 28462455 (cited by Labcorp Genetics (formerly Invitae), Labcorp and Institute of Human Genetics, Univ. Regensburg, Univ. Regensburg); PubMed 31964843 (cited by Institute of Human Genetics, Univ. Regensburg, Univ. Regensburg); PubMed 31429209 (cited by Institute of Human Genetics, Univ. Regensburg, Univ. Regensburg); PubMed 32581362 (cited by Institute of Human Genetics, Univ. Regensburg, Univ. Regensburg); PubMed 32037395 (cited by Institute of Human Genetics, Univ. Regensburg, Univ. Regensburg).